The following is an entry in ClinVar:

NM_016216.4(DBR1):c.1414C>A (p.Pro472Thr)

Gene: DBR1 (debranching RNA lariats 1; minus strand). Cytogenetic location: 3q22.3.
Variant type: single nucleotide variant.
Coding change: c.1414C>A on transcript NM_016216.4 (MANE Select); coding-DNA position 1414, C replaced by A.
Protein change: p.Pro472Thr; replaces proline 472 with threonine.
Molecular consequence: missense variant.
Genome position (GRCh38, 1-based): chr3:138,162,110, G>T on the plus strand (C>A on the coding strand, the complement: DBR1 is on the minus strand). VCF-style: chr3-138162110-G-T. GRCh37 (hg19) VCF-style: chr3-137880952-G-T.
Other names: c.1414C>A (NM_016216.3); short protein forms P472T.
Identifiers: ClinVar variation 3699596 (VCV003699596.3).

ClinVar aggregate classification (germline): Uncertain significance. Review status: criteria provided, multiple submitters, no conflicts (2 of 4 stars). 2 submissions from 2 submitters: Uncertain significance (2). Last evaluated 2025-07-12.

Conditions:
Inborn genetic diseases. Identifiers: MedGen C0950123, MeSH D030342.

gnomAD v4.1: 8 of 1,613,992 alleles (0.0005%); highest among the groups gnomAD compares: African/African-American, 0.0093%; no homozygotes.

Submissions (2):

Ambry Genetics
Classification: Uncertain significance for Inborn genetic diseases. Last evaluated: 2025-07-12. Review status: criteria provided, single submitter. Criteria: Ambry Variant Classification Scheme 2023. Collection method: clinical testing. Allele origin: germline.

Labcorp Genetics (formerly Invitae), Labcorp
Classification: Uncertain significance. Last evaluated: 2024-06-23. Review status: criteria provided, single submitter. Criteria: Invitae Variant Classification Sherloc (09022015). Collection method: clinical testing. Allele origin: germline.
Comment: This sequence change replaces proline, which is neutral and non-polar, with threonine, which is neutral and polar, at codon 472 of the DBR1 protein (p.Pro472Thr). This variant is present in population databases (rs750382210, gnomAD 0.01%). This variant has not been reported in the literature in individuals affected with DBR1-related conditions. An algorithm developed to predict the effect of missense changes on protein structure and function (PolyPhen-2) suggests that this variant is likely to be disruptive. In summary, the available evidence is currently insufficient to determine the role of this variant in disease. Therefore, it has been classified as a Variant of Uncertain Significance.